The following is an entry in ClinVar:

ClinVar aggregate classification (germline): Uncertain significance (0 of 4 stars; one submission).

Conditions:
NFATC1-related disorder. Also called: NFATC1-related condition.

Submission:

PreventionGenetics, part of Exact Sciences
Classification: Uncertain significance for NFATC1-related condition. Last evaluated: 2024-07-01. Review status: no assertion criteria provided. Collection method: clinical testing. Allele origin: germline.
Comment: The NFATC1 c.203delC variant is predicted to result in a frameshift and premature protein termination (p.Pro68Argfs*55). To our knowledge, this variant has not been reported in the literature or in gnomAD, indicating this variant is rare. At this time, the clinical significance of this variant is uncertain due to the absence of conclusive functional and genetic evidence.

NM_001278669.2(NFATC1):c.203del (p.Pro68fs)

Gene: NFATC1 (nuclear factor of activated T cells 1; plus strand). Cytogenetic location: 18q23.
Variant type: Deletion.
Coding change: c.203del on transcript NM_001278669.2 (MANE Select); coding-DNA position 203, one base deleted (C; older notation c.203delC).
Protein change: p.Pro68fs; shifts the reading frame from proline 68.
Molecular consequence: frameshift variant. On other transcripts: intron variant (2).
Genome position (GRCh38, 1-based): chr18:79,410,478, C deleted; the last of 4 consecutive C bases (chr18:79,410,475-79,410,478); deleting any one gives the same sequence. VCF-style (leftmost placement, unchanged base first): chr18-79410474-GC-G. GRCh37 (hg19) VCF-style: chr18-77170474-GC-G.
Other names: c.203del, p.Pro68fs (NM_001278670.2, NM_006162.5, NM_172390.3); c.164del, p.Pro55fs (NM_001278672.2, NM_001278675.2, NM_172387.3 and 1 more transcripts); c.-191+14127del (NM_172388.3); c.-191+9999del (NM_001278673.2); short protein forms P55fs, P68fs.
Identifiers: ClinVar variation 3346465 (VCV003346465.1).